The following is an entry in ClinVar:

NM_001182.5(ALDH7A1):c.1317+20G>A

Gene: ALDH7A1 (aldehyde dehydrogenase 7 family member A1; minus strand). Cytogenetic location: 5q23.2.
Variant type: single nucleotide variant.
Coding change: c.1317+20G>A on transcript NM_001182.5 (MANE Select); 20 bases into the intron after coding-DNA position 1317, G replaced by A.
Molecular consequence: intron variant.
Genome position (GRCh38, 1-based): chr5:126,552,001, C>T on the plus strand (G>A on the coding strand, the complement: ALDH7A1 is on the minus strand). VCF-style: chr5-126552001-C-T. GRCh37 (hg19) VCF-style: chr5-125887693-C-T.
Other names: c.1125+20G>A (NM_001202404.2); c.1233+20G>A (NM_001201377.2).
Identifiers: ClinVar variation 136377 (VCV000136377.10), dbSNP rs17597559, ClinGen allele CA289417.

ClinVar aggregate classification (germline): Benign/Likely benign. Review status: criteria provided, multiple submitters, no conflicts (2 of 4 stars). 4 submissions from 4 submitters: Benign (3); Likely benign (1). Last evaluated 2026-01-31.

Conditions:
Pyridoxine-dependent epilepsy (EPEO4). Also called: PYRIDOXINE DEPENDENCY WITH SEIZURES; Pyridoxine-Dependent Epilepsy - ALDH7A1; EPILEPSY, EARLY-ONSET, 4, VITAMIN B6-DEPENDENT; Pyridoxine-Dependent Seizures. Identifiers: Orphanet 3006, MedGen C1849508, MONDO:0009945, OMIM 266100. Disease mechanism: loss of function.

Allele frequency attached by ClinVar (database versions not stated): TOPMed 0.00132; 1000 Genomes Project 30x 0.00172; 1000 Genomes Project 0.00220.
gnomAD v4.1: 594 of 1,549,736 alleles (0.038%); highest among the groups gnomAD compares: East Asian, 0.96%; 4 homozygotes.

Submissions (4):

Labcorp Genetics (formerly Invitae), Labcorp
Classification: Benign for Pyridoxine-dependent epilepsy. Last evaluated: 2026-01-31. Review status: criteria provided, single submitter. Criteria: Invitae Variant Classification Sherloc (09022015). Collection method: clinical testing. Allele origin: germline.

Blueprint Genetics
Classification: Likely benign. Last evaluated: 2024-11-05. Review status: criteria provided, single submitter. Criteria: ACMG Guidelines, 2015. Collection method: clinical testing. Allele origin: germline.

Genome-Nilou Lab
Classification: Benign for Pyridoxine-dependent epilepsy. Last evaluated: 2023-04-11. Review status: criteria provided, single submitter. Criteria: ACMG Guidelines, 2015. Collection method: clinical testing. Allele origin: germline. Affected: no.

GeneDx
Classification: Benign. Last evaluated: 2013-10-07. Review status: criteria provided, single submitter. Criteria: GeneDx Variant Classification (06012015). Collection method: clinical testing. Allele origin: germline. Affected: yes.
Comment: This variant is considered likely benign or benign based on one or more of the following criteria: it is a conservative change, it occurs at a poorly conserved position in the protein, it is predicted to be benign by multiple in silico algorithms, and/or has population frequency not consistent with disease.